The following is an entry in ClinVar:

NM_004565.3(PEX14):c.349G>T (p.Ala117Ser)

Gene: PEX14 (peroxisomal biogenesis factor 14; plus strand). Cytogenetic location: 1p36.22.
Variant type: single nucleotide variant.
Coding change: c.349G>T on transcript NM_004565.3 (MANE Select); coding-DNA position 349, G replaced by T.
Protein change: p.Ala117Ser; replaces alanine 117 with serine.
Molecular consequence: missense variant.
Genome position (GRCh38, 1-based): chr1:10,618,382, G>T. VCF-style: chr1-10618382-G-T. GRCh37 (hg19) VCF-style: chr1-10678439-G-T.
Other names: short protein forms A117S.
Identifiers: ClinVar variation 197764 (VCV000197764.22), dbSNP rs12061667, ClinGen allele CA203068.
Genomic context (GRCh38, chr1:10,618,382, plus strand): 5'-CCGCCTGTAGGTCCCGCAGGCTCCCGATGGCGAGATTACGGCGCCCTGGCCATCATCATG[G>T]CAGGCATTGCATTTGGCTTTCACCAGCTCTACAAGGTGAGTCACCCCCAGCGGCTGCAGG-3'
Protein context (NP_004556.1, residues 107-127): RDYGALAIIM[Ala117Ser]GIAFGFHQLY

ClinVar aggregate classification (germline): Benign/Likely benign. Review status: criteria provided, multiple submitters, no conflicts (2 of 4 stars). 5 submissions from 5 submitters: Benign (2); Likely benign (3). Last evaluated 2026-01-22.

Conditions:
Peroxisome biogenesis disorder, complementation group K (CGK). Identifiers: MedGen C1866257, MONDO:0800365.
Peroxisome biogenesis disorder 13A (Zellweger). Also called: Peroxisome biogenesis disorder 13A. Identifiers: Orphanet 912, MedGen C3554004, MONDO:0013952, OMIM 614887.

Allele frequency attached by ClinVar (database versions not stated): gnomAD exomes 0.00028 and 0.00071; ExAC 0.00089; 1000 Genomes Project 0.00260; 1000 Genomes Project 30x 0.00265; ESP Exome Variant Server 0.00292; gnomAD 0.00301 and 0.00324; TOPMed 0.00342.
gnomAD v4.1: 878 of 1,613,854 alleles (0.054%); highest among the groups gnomAD compares: African/African-American, 1%; 5 homozygotes.

Submissions (10):

Labcorp Genetics (formerly Invitae), Labcorp
Classification: Benign for Peroxisome biogenesis disorder, complementation group K. Last evaluated: 2026-01-22. Review status: criteria provided, single submitter. Criteria: Invitae Variant Classification Sherloc (09022015). Collection method: clinical testing. Allele origin: germline.

Mayo Clinic Laboratories, Mayo Clinic
Classification: Likely benign. Last evaluated: 2025-03-20. Review status: criteria provided, single submitter. Criteria: ACMG Guidelines, 2015. Collection method: clinical testing. Allele origin: germline. Observed: 2 variant alleles.
Comment: BS1, BP4_moderate

Blueprint Genetics
Classification: Likely benign. Last evaluated: 2024-03-11. Review status: criteria provided, single submitter. Criteria: ACMG Guidelines, 2015. Collection method: clinical testing. Allele origin: germline.

Illumina Laboratory Services, Illumina
Classification: Likely benign for Peroxisome biogenesis disorder 13A (Zellweger). Last evaluated: 2018-01-13. Review status: criteria provided, single submitter. Criteria: ICSL Variant Classification Criteria 13 December 2019. Collection method: clinical testing. Allele origin: germline.
Comment: This variant was observed in the ICSL laboratory as part of a predisposition screen in an ostensibly healthy population. It had not been previously curated by ICSL or reported in the Human Gene Mutation Database (HGMD: prior to June 1st, 2018), and was therefore a candidate for classification through an automated scoring system. Utilizing variant allele frequency, disease prevalence and penetrance estimates, and inheritance mode, an automated score was calculated to assess if this variant is too frequent to cause the disease. Based on the score and internal cut-off values, a variant classified as likely benign is not then subjected to further curation. The score for this variant resulted in a classification of likely benign for this disease.

Eurofins Ntd Llc (ga)
Classification: Benign. Last evaluated: 2015-03-02. Review status: criteria provided, single submitter. Criteria: EGL Classification Definitions 2015. Collection method: clinical testing. Allele origin: germline. Observed: 1 variant allele, 1 heterozygote.

Dr. Peter K. Rogan Lab, Western University
No classification provided (evidence only). Condition: Ovarian serous cystadenocarcinoma. Review status: no classification provided. Collection method: in vitro. Allele origin: not applicable. Functional consequence: retained intron. Not counted in ClinVar's aggregate classification.

Dr. Peter K. Rogan Lab, Western University
No classification provided (evidence only). Condition: Ovarian serous cystadenocarcinoma. Review status: no classification provided. Collection method: in vitro. Allele origin: not applicable. Functional consequence: retained intron. Not counted in ClinVar's aggregate classification.

Dr. Peter K. Rogan Lab, Western University
No classification provided (evidence only). Condition: Colon adenocarcinoma. Review status: no classification provided. Collection method: in vitro. Allele origin: not applicable. Functional consequence: retained intron. Not counted in ClinVar's aggregate classification.

Dr. Peter K. Rogan Lab, Western University
No classification provided (evidence only). Condition: Cervical cancer. Review status: no classification provided. Collection method: in vitro. Allele origin: not applicable. Functional consequence: skipped exon. Not counted in ClinVar's aggregate classification.

Dr. Peter K. Rogan Lab, Western University
No classification provided (evidence only). Condition: Hepatocellular carcinoma. Review status: no classification provided. Collection method: in vitro. Allele origin: not applicable. Functional consequence: retained intron. Not counted in ClinVar's aggregate classification.